The following is an entry in ClinVar:

ClinVar aggregate classification (germline): Uncertain significance (1 of 4 stars; one submission).

Submission:

Labcorp Genetics (formerly Invitae), Labcorp
Classification: Uncertain significance. Last evaluated: 2022-07-06. Review status: criteria provided, single submitter. Criteria: Invitae Variant Classification Sherloc (09022015). Collection method: clinical testing. Allele origin: germline.
Comment: Experimental studies and prediction algorithms are not available or were not evaluated, and the functional significance of this variant is currently unknown. In summary, the available evidence is currently insufficient to determine the role of this variant in disease. Therefore, it has been classified as a Variant of Uncertain Significance. This variant has not been reported in the literature in individuals affected with HSPG2-related conditions. This sequence change replaces serine, which is neutral and polar, with glycine, which is neutral and non-polar, at codon 704 of the HSPG2 protein (p.Ser704Gly). Information on the frequency of this variant in the gnomAD database is not available, as this variant may be reported differently in the database.

NM_005529.7(HSPG2):c.2109_2110inv (p.Ser704Gly)

Gene: HSPG2 (heparan sulfate proteoglycan 2; minus strand). Cytogenetic location: 1p36.12.
Variant type: Inversion.
Coding change: c.2109_2110inv on transcript NM_005529.7 (MANE Select).
Protein change: p.Ser704Gly; replaces serine 704 with glycine.
Molecular consequence: missense variant.
Genome position: GRCh38 VCF-style: chr1-21880448-TG-CA. GRCh37 (hg19) VCF-style: chr1-22206941-TG-CA.
Other names: c.2112_2113inv, p.Ser705Gly (NM_001291860.2); short protein forms S704G, S705G.
Identifiers: ClinVar variation 1941629 (VCV001941629.5), ClinGen allele CA2580061464.